The following is an entry in ClinVar:

NM_000138.5(FBN1):c.7228C>G (p.His2410Asp)

Gene: FBN1 (fibrillin 1; minus strand). Cytogenetic location: 15q21.1.
Variant type: single nucleotide variant.
Coding change: c.7228C>G on transcript NM_000138.5 (MANE Select); coding-DNA position 7228, C replaced by G.
Protein change: p.His2410Asp; replaces histidine 2410 with aspartic acid.
Molecular consequence: missense variant.
Genome position (GRCh38, 1-based): chr15:48,425,841, G>C on the plus strand (C>G on the coding strand, the complement: FBN1 is on the minus strand). VCF-style: chr15-48425841-G-C. GRCh37 (hg19) VCF-style: chr15-48718038-G-C.
Other names: short protein forms H2410D.
Identifiers: ClinVar variation 927327 (VCV000927327.6), dbSNP rs548057493, ClinGen allele CA058120.
Genomic context (GRCh38, chr15:48,425,841, plus strand): 5'-TACAAATGCAATGATATGATCCTCTGTCATTGACACATTCCCCATTTCGGCAAACATCGT[G>C]AATAACCTTGCATTCATCGATATCTGTAATTTAACAAATATAAATTAAGAAATATATCAT-3'
Protein context (NP_000129.3, residues 2400-2420): GADIDECKVI[His2410Asp]DVCRNGECVN

ClinVar aggregate classification (germline): Uncertain significance. Review status: criteria provided, multiple submitters, no conflicts (2 of 4 stars). 2 submissions from 2 submitters: Uncertain significance (2). Last evaluated 2024-03-06.

Conditions:
Marfan syndrome (MFS). Also called: Marfan syndrome, classic; Marfan syndrome type 1; Marfan's syndrome; FBN1-Related Marfan Syndrome; MARFAN SYNDROME, TYPE I. Identifiers: Orphanet 284963, Orphanet 558, MedGen C0024796, MONDO:0007947, OMIM 154700.
Familial thoracic aortic aneurysm and aortic dissection (TAAD). Also called: Thoracic aortic aneurysms and dissections. Identifiers: Orphanet 91387, MedGen C4707243, MONDO:0019625.

Allele frequency attached by ClinVar (database versions not stated): TOPMed 0.00001.
gnomAD v4.1: 5 of 1,610,618 alleles (0.00031%); highest among the groups gnomAD compares: Non-Finnish European, 0.00042%; no homozygotes.

Submissions (2):

Color Diagnostics, LLC DBA Color Health
Classification: Uncertain significance for Familial thoracic aortic aneurysm and aortic dissection. Last evaluated: 2024-03-06. Review status: criteria provided, single submitter. Criteria: ACMG Guidelines, 2015. Collection method: clinical testing. Allele origin: germline.
Comment: This missense variant replaces histidine with aspartic acid at codon 2410 of the FBN1 protein. Computational prediction suggests that this variant may not impact protein structure and function (internally defined REVEL score threshold <= 0.5, PMID: 27666373). To our knowledge, functional studies have not been reported for this variant. This variant has not been reported in individuals affected with FBN1-related disorders in the literature. This variant has been identified in 1/251140 chromosomes in the general population by the Genome Aggregation Database (gnomAD). The available evidence is insufficient to determine the role of this variant in disease conclusively. Therefore, this variant is classified as a Variant of Uncertain Significance.

All of Us Research Program, National Institutes of Health
Classification: Uncertain significance for Marfan syndrome. Last evaluated: 2023-07-10. Review status: criteria provided, single submitter. Criteria: ACMG Guidelines, 2015. Collection method: clinical testing. Allele origin: germline. Inheritance: Autosomal dominant inheritance. Observed: 1 variant allele, 1 heterozygote.
Comment: This missense variant replaces histidine with aspartic acid at codon 2410 of the FBN1 protein. Computational prediction suggests that this variant may not impact protein structure and function (internally defined REVEL score threshold <= 0.5, PMID: 27666373). Splice site prediction tools suggest that this variant may not impact RNA splicing. To our knowledge, functional studies have not been performed for this variant. This variant has not been reported in individuals affected with cardiovascular disorders in the literature. This variant has been identified in 1/251140 chromosomes in the general population by the Genome Aggregation Database (gnomAD). The available evidence is insufficient to determine the role of this variant in disease conclusively. Therefore, this variant is classified as a Variant of Uncertain Significance.

This study involves interpretation of variants in research participants for the purpose of population health screening. Participant phenotype was not available at the time of variant classification. Additional details can be found in publication PMID: 35346344, PMCID: PMC8962531